The following is an entry in ClinVar:

ClinVar aggregate classification (germline): Uncertain significance. Review status: criteria provided, multiple submitters, no conflicts (2 of 4 stars). 2 submissions from 2 submitters: Uncertain significance (2). Last evaluated 2025-12-09.

Conditions:
Hereditary cancer-predisposing syndrome. Also called: Hereditary Cancer Syndrome; Tumor predisposition; Hereditary neoplastic syndrome; Neoplastic Syndromes, Hereditary. Identifiers: Orphanet 140162, MedGen C0027672, MeSH D009386, MONDO:0015356.
EGFR-related lung cancer (EGFR). Identifiers: MedGen CN130014.

Allele frequency attached by ClinVar (database versions not stated): gnomAD exomes below 0.00001.

Submissions (2):

Ambry Genetics
Classification: Uncertain significance for Hereditary cancer-predisposing syndrome. Last evaluated: 2025-12-09. Review status: criteria provided, single submitter. Criteria: Ambry Variant Classification Scheme 2023. Collection method: clinical testing. Allele origin: germline.
Comment: The p.Q791H variant (also known as c.2373G>T), located in coding exon 20 of the EGFR gene, results from a G to T substitution at nucleotide position 2373. The glutamine at codon 791 is replaced by histidine, an amino acid with highly similar properties. This amino acid position is highly conserved in available vertebrate species. In addition, this alteration is predicted to be deleterious by in silico analysis. Based on the available evidence, the clinical significance of this variant remains unclear.

Labcorp Genetics (formerly Invitae), Labcorp
Classification: Uncertain significance for EGFR-related lung cancer. Last evaluated: 2024-09-17. Review status: criteria provided, single submitter. Criteria: Invitae Variant Classification Sherloc (09022015). Collection method: clinical testing. Allele origin: germline.
Comment: This sequence change replaces glutamine, which is neutral and polar, with histidine, which is basic and polar, at codon 791 of the EGFR protein (p.Gln791His). This variant is present in population databases (no rsID available, gnomAD 0.0009%). This variant has not been reported in the literature in individuals affected with EGFR-related conditions. ClinVar contains an entry for this variant (Variation ID: 1045488). Invitae Evidence Modeling of protein sequence and biophysical properties (such as structural, functional, and spatial information, amino acid conservation, physicochemical variation, residue mobility, and thermodynamic stability) indicates that this missense variant is not expected to disrupt EGFR protein function with a negative predictive value of 80%. In summary, the available evidence is currently insufficient to determine the role of this variant in disease. Therefore, it has been classified as a Variant of Uncertain Significance.

NM_005228.5(EGFR):c.2373G>T (p.Gln791His)

Genes: EGFR (epidermal growth factor receptor; plus strand), EGFR-AS1 (EGFR antisense RNA 1; minus strand). Cytogenetic location: 7p11.2.
Variant type: single nucleotide variant.
Coding change: c.2373G>T on transcript NM_005228.5 (MANE Select); coding-DNA position 2373, G replaced by T.
Protein change: p.Gln791His; replaces glutamine 791 with histidine.
Molecular consequence: missense variant. On other transcripts: non-coding transcript variant (1).
Genome position (GRCh38, 1-based): chr7:55,181,382, G>T. VCF-style: chr7-55181382-G-T. GRCh37 (hg19) VCF-style: chr7-55249075-G-T.
Other names: c.2373G>T (NM_005228.3); c.2238G>T, p.Gln746His (NM_001346897.2, NM_001346899.2); c.2373G>T, p.Gln791His (NM_001346898.2); c.2214G>T, p.Gln738His (NM_001346900.2); c.1572G>T, p.Gln524His (NM_001346941.2); short protein forms Q738H, Q524H, Q746H, Q791H.
Identifiers: ClinVar variation 1045488 (VCV001045488.9), dbSNP rs1413493019, ClinGen allele CA367578861.